The following is an entry in ClinVar:

NM_000051.4(ATM):c.5866C>T (p.Leu1956Phe)

Genes: ATM (ATM serine/threonine kinase; plus strand), C11orf65 (chromosome 11 open reading frame 65; minus strand). Cytogenetic location: 11q22.3.
Variant type: single nucleotide variant.
Coding change: c.5866C>T on transcript NM_000051.4 (MANE Select); coding-DNA position 5866, C replaced by T.
Protein change: p.Leu1956Phe; replaces leucine 1956 with phenylalanine.
Molecular consequence: missense variant. On other transcripts: intron variant (2).
Genome position (GRCh38, 1-based): chr11:108,310,263, C>T. VCF-style: chr11-108310263-C-T. GRCh37 (hg19) VCF-style: chr11-108180990-C-T.
Other names: c.641-1192G>A (NM_001330368.2); c.*39-1192G>A (NM_001351110.2); c.5866C>T, p.Leu1956Phe (NM_001351834.2); short protein forms L1956F.
Identifiers: ClinVar variation 628892 (VCV000628892.30), dbSNP rs1565489956, ClinGen allele CA382548494.

ClinVar aggregate classification (germline): Conflicting classifications of pathogenicity. Review status: criteria provided, conflicting classifications (1 of 4 stars). 6 submissions from 6 submitters: Uncertain significance (4); Likely benign (1). 1 of the submissions does not count toward it. Last evaluated 2025-05-27.

Conditions:
Familial cancer of breast. Also called: Hereditary breast cancer; BREAST CANCER, FAMILIAL; hereditary breast carcinoma. Identifiers: Orphanet 227535, MedGen C0346153, MONDO:0016419, OMIM 114480. Disease mechanism: loss of function.
Ataxia-telangiectasia syndrome (AT). Also called: Ataxia-telangiectasia, complementation group D; AT, COMPLEMENTATION GROUP C; ATAXIA-TELANGIECTASIA, COMPLEMENTATION GROUP A; ATAXIA-TELANGIECTASIA, FRESNO VARIANT; Ataxia-telangiectasia; LOUIS-BAR SYNDROME. Identifiers: Orphanet 100, MedGen C0004135, MONDO:0008840, OMIM 208900.
Hereditary cancer-predisposing syndrome. Also called: Tumor predisposition; Hereditary neoplastic syndrome; Neoplastic Syndromes, Hereditary; Hereditary Cancer Syndrome. Identifiers: Orphanet 140162, MedGen C0027672, MeSH D009386, MONDO:0015356.

Allele frequency attached by ClinVar (database versions not stated): gnomAD exomes below 0.00001.
gnomAD v4.1: 1 of 1,613,486 alleles (0.000062%); highest among the groups gnomAD compares: Non-Finnish European, 0.000085%; no homozygotes.

Submissions (6):

Labcorp Genetics (formerly Invitae), Labcorp
Classification: Uncertain significance for Ataxia-telangiectasia syndrome. Last evaluated: 2025-05-27. Review status: criteria provided, single submitter. Criteria: Invitae Variant Classification Sherloc (09022015). Collection method: clinical testing. Allele origin: germline.
Comment: This sequence change replaces leucine, which is neutral and non-polar, with phenylalanine, which is neutral and non-polar, at codon 1956 of the ATM protein (p.Leu1956Phe). This variant is not present in population databases (gnomAD no frequency). This variant has not been reported in the literature in individuals affected with ATM-related conditions. ClinVar contains an entry for this variant (Variation ID: 628892). Invitae Evidence Modeling of protein sequence and biophysical properties (such as structural, functional, and spatial information, amino acid conservation, physicochemical variation, residue mobility, and thermodynamic stability) indicates that this missense variant is not expected to disrupt ATM protein function with a negative predictive value of 95%. In summary, the available evidence is currently insufficient to determine the role of this variant in disease. Therefore, it has been classified as a Variant of Uncertain Significance.

Ambry Genetics
Classification: Likely benign for Hereditary cancer-predisposing syndrome. Last evaluated: 2024-10-29. Review status: criteria provided, single submitter. Criteria: Ambry Variant Classification Scheme 2023. Collection method: clinical testing. Allele origin: germline.

Color Diagnostics, LLC DBA Color Health
Classification: Uncertain significance for Hereditary cancer-predisposing syndrome. Last evaluated: 2023-12-05. Review status: criteria provided, single submitter. Criteria: ACMG Guidelines, 2015. Collection method: clinical testing. Allele origin: germline.
Comment: This missense variant replaces leucine with phenylalanine at codon 1956 of the ATM protein. Computational prediction suggests that this variant may not impact protein structure and function (internally defined REVEL score threshold <= 0.5, PMID: 27666373). To our knowledge, functional studies have not been reported for this variant. This variant has not been reported in individuals affected with ATM-related disorders in the literature. This variant has not been identified in the general population by the Genome Aggregation Database (gnomAD). The available evidence is insufficient to determine the role of this variant in disease conclusively. Therefore, this variant is classified as a Variant of Uncertain Significance.

GeneDx
Classification: Uncertain significance. Last evaluated: 2023-10-18. Review status: criteria provided, single submitter. Criteria: GeneDx Variant Classification Process June 2021. Collection method: clinical testing. Allele origin: germline. Affected: yes.
Comment: Not observed at significant frequency in large population cohorts (gnomAD); In silico analysis supports that this missense variant has a deleterious effect on protein structure/function; Has not been previously published as pathogenic or benign to our knowledge

Institute of Human Genetics, University of Leipzig Medical Center
Classification: Uncertain significance for Familial cancer of breast. Last evaluated: 2019-01-01. Review status: criteria provided, single submitter. Criteria: ACMG Guidelines, 2015. Collection method: clinical testing. Allele origin: unknown. Affected: yes.

Natera, Inc.
Classification: Uncertain significance for Ataxia-telangiectasia. Last evaluated: 2020-09-28. Review status: no assertion criteria provided. Collection method: clinical testing. Allele origin: germline. Not counted in ClinVar's aggregate classification.